The following is an entry in ClinVar:

NM_000059.4(BRCA2):c.6064T>G (p.Ser2022Ala)

Gene: BRCA2 (BRCA2 DNA repair associated; plus strand). Cytogenetic location: 13q13.1.
Variant type: single nucleotide variant.
Coding change: c.6064T>G on transcript NM_000059.4 (MANE Select); coding-DNA position 6064, T replaced by G.
Protein change: p.Ser2022Ala; replaces serine 2022 with alanine.
Molecular consequence: missense variant. On other transcripts: non-coding transcript variant (1), intron variant (2).
Genome position (GRCh38, 1-based): chr13:32,340,419, T>G. VCF-style: chr13-32340419-T-G. GRCh37 (hg19) VCF-style: chr13-32914556-T-G.
Other names: c.6064T>G, p.Ser2022Ala (NM_001406719.1, NM_001406720.1, NM_001432077.1); c.1910-4139T>G (NM_001406721.1); c.425-4139T>G (NM_001406722.1); short protein forms S2022A.
Identifiers: ClinVar variation 4082323 (VCV004082323.1).

ClinVar aggregate classification (germline): Likely benign (1 of 4 stars; one submission).

Conditions:
Hereditary cancer-predisposing syndrome. Also called: Tumor predisposition; Neoplastic Syndromes, Hereditary; Hereditary neoplastic syndrome; Hereditary Cancer Syndrome. Identifiers: Orphanet 140162, MedGen C0027672, MeSH D009386, MONDO:0015356.

Submission:

Molecular Diagnostics Laboratory, Catalan Institute of Oncology
Classification: Likely benign for Hereditary cancer-predisposing syndrome. Last evaluated: 2025-07-07. Review status: criteria provided, single submitter. Criteria: ClinGen BRCA1BRCA2 ACMG Specifications BRCA2 V1.0.0. Collection method: clinical testing. Allele origin: germline.
Comment: PM2_Supporting, BP1_Strong c.6064T>G, located in exon 11 of the BRCA2 gene, is predicted to result in the substitution of serine with alanine at codon 2022, p.(Ser2022Ala). This position is outside a (potentially) clinically important functional domain and the SpliceAI algorithm predicts no significant impact on splicing (BP1_strong). It is not present in the population database gnomAD v2.1.1, non cancer dataset (PM2_Supporting). To our knowledge, neither relevant clinical data nor well-established functional studies have been reported for this variant. It has not been reported in ClinVar, BRCA Exchange or LOVD databases. Based on the currently available information, c.6064T>G is classified as a likely benign variant according to ClinGen-BRCA2 Guidelines v.1.0.0.